The following is an entry in ClinVar:

NM_000161.3(GCH1):c.721C>T (p.Arg241Trp)

Gene: GCH1 (GTP cyclohydrolase 1; minus strand). Cytogenetic location: 14q22.2.
Variant type: single nucleotide variant.
Coding change: c.721C>T on transcript NM_000161.3 (MANE Select); coding-DNA position 721, C replaced by T.
Protein change: p.Arg241Trp; replaces arginine 241 with tryptophan.
Molecular consequence: missense variant. On other transcripts: intron variant (3).
Genome position (GRCh38, 1-based): chr14:54,844,049, G>A on the plus strand (C>T on the coding strand, the complement: GCH1 is on the minus strand). VCF-style: chr14-54844049-G-A. GRCh37 (hg19) VCF-style: chr14-55310767-G-A.
Other names: c.721C>T, p.Arg241Trp (NM_001024024.2); c.427C>T, p.Arg143Trp (NM_001424105.1); c.510-995C>T (NM_001424104.1); c.627-995C>T (NM_001024071.2); c.627-180C>T (NM_001024070.2); short protein forms R241W, R143W.
Identifiers: ClinVar variation 2925515 (VCV002925515.3), dbSNP rs1375209791, ClinGen allele CA389786684.

ClinVar aggregate classification (germline): Uncertain significance (1 of 4 stars; one submission).

Conditions:
Dystonia 5 (DRD). Also called: DYSTONIA, PROGRESSIVE, WITH DIURNAL VARIATION; DYSTONIA-PARKINSONISM WITH DIURNAL FLUCTUATION; GTP Cyclohydrolase 1-Deficient Dopa-Responsive Dystonia; Dystonia, DOPA-responsive, with or without hyperphenylalaninemia; DYT-GCH1. Identifiers: Orphanet 98808, MedGen C1851920, MONDO:0007495, OMIM 128230.
GTP cyclohydrolase I deficiency. Identifiers: MedGen C0268467, MONDO:0100184.

Submission:

Labcorp Genetics (formerly Invitae), Labcorp
Classification: Uncertain significance for GTP cyclohydrolase I deficiency; Dystonia 5. Last evaluated: 2023-05-03. Review status: criteria provided, single submitter. Criteria: Invitae Variant Classification Sherloc (09022015). Collection method: clinical testing. Allele origin: germline.
Comment: This variant disrupts the p.Arg241 amino acid residue in GCH1. Other variant(s) that disrupt this residue have been determined to be pathogenic (PMID: 24993959; Invitae). This suggests that this residue is clinically significant, and that variants that disrupt this residue are likely to be disease-causing. Advanced modeling of protein sequence and biophysical properties (such as structural, functional, and spatial information, amino acid conservation, physicochemical variation, residue mobility, and thermodynamic stability) performed at Invitae indicates that this missense variant is expected to disrupt GCH1 protein function. This missense change has been observed in individual(s) with dystonia and related disorders (PMID: 9778264). This variant is present in population databases (no rsID available, gnomAD 0.01%). This sequence change replaces arginine, which is basic and polar, with tryptophan, which is neutral and slightly polar, at codon 241 of the GCH1 protein (p.Arg241Trp). In summary, the available evidence is currently insufficient to determine the role of this variant in disease. Therefore, it has been classified as a Variant of Uncertain Significance.

Literature cited by the submitters: PubMed 24993959; PubMed 9778264.